The following is an entry in ClinVar:

ClinVar aggregate classification (germline): Uncertain significance. Review status: criteria provided, multiple submitters, no conflicts (2 of 4 stars). 2 submissions from 2 submitters: Uncertain significance (2). Last evaluated 2019-04-17.

gnomAD v4.1: 4 of 1,614,090 alleles (0.00025%); highest among the groups gnomAD compares: Middle Eastern, 0.016%; no homozygotes.

Submissions (2):

GeneDx
Classification: Uncertain significance. Last evaluated: 2019-04-17. Review status: criteria provided, single submitter. Criteria: GeneDx Variant Classification Process June 2021. Collection method: clinical testing. Allele origin: germline. Affected: yes.
Comment: Has not been previously published as pathogenic or benign to our knowledge; This variant is associated with the following publications: (PMID: 31983221)

Eurofins Ntd Llc (ga)
Classification: Uncertain significance. Last evaluated: 2016-11-20. Review status: criteria provided, single submitter. Criteria: EGL Classification Definitions 2015. Collection method: clinical testing. Allele origin: germline. Observed: 1 variant allele, 1 heterozygote.

NM_001267550.2(TTN):c.916T>C (p.Ser306Pro)

Gene: TTN (titin; minus strand). Cytogenetic location: 2q31.2.
Variant type: single nucleotide variant.
Coding change: c.916T>C on transcript NM_001267550.2 (MANE Select); coding-DNA position 916, T replaced by C.
Protein change: p.Ser306Pro; replaces serine 306 with proline.
Molecular consequence: missense variant.
Genome position (GRCh38, 1-based): chr2:178,795,251, A>G on the plus strand (T>C on the coding strand, the complement: TTN is on the minus strand). VCF-style: chr2-178795251-A-G. GRCh37 (hg19) VCF-style: chr2-179659978-A-G.
Other names: c.916T>C, p.Ser306Pro (NM_001256850.1, NM_003319.4, NM_133378.4 and 3 more transcripts); short protein forms S306P.
Identifiers: ClinVar variation 498369 (VCV000498369.7), dbSNP rs1554036458, ClinGen allele CA349520052.